The following is an entry in ClinVar:

ClinVar aggregate classification (germline): Uncertain significance (1 of 4 stars; one submission).

Conditions:
Developmental and epileptic encephalopathy. Identifiers: MedGen C5779964, MONDO:0100620.

Allele frequency attached by ClinVar (database versions not stated): gnomAD 0.00001; gnomAD exomes below 0.00001; TOPMed below 0.00001; ExAC 0.00001.
gnomAD v4.1: 6 of 1,614,050 alleles (0.00037%); highest among the groups gnomAD compares: Non-Finnish European, 0.00051%; no homozygotes.

Submission:

Labcorp Genetics (formerly Invitae), Labcorp
Classification: Uncertain significance for Early-infantile DEE. Last evaluated: 2021-08-24. Review status: criteria provided, single submitter. Criteria: Invitae Variant Classification Sherloc (09022015). Collection method: clinical testing. Allele origin: germline.
Comment: This sequence change replaces glutamine with arginine at codon 108 of the CACNA2D2 protein (p.Gln108Arg). The glutamine residue is moderately conserved and there is a small physicochemical difference between glutamine and arginine. This variant is present in population databases (rs752989113, ExAC 0.001%). This variant has not been reported in the literature in individuals affected with CACNA2D2-related conditions. Algorithms developed to predict the effect of missense changes on protein structure and function are either unavailable or do not agree on the potential impact of this missense change (SIFT: "Deleterious"; PolyPhen-2: "Benign"; Align-GVGD: "Class C0"). Algorithms developed to predict the effect of sequence changes on RNA splicing suggest that this variant may create or strengthen a splice site. In summary, the available evidence is currently insufficient to determine the role of this variant in disease. Therefore, it has been classified as a Variant of Uncertain Significance.

NM_006030.4(CACNA2D2):c.323A>G (p.Gln108Arg)

Gene: CACNA2D2 (calcium voltage-gated channel auxiliary subunit alpha2delta 2; minus strand). Cytogenetic location: 3p21.31.
Variant type: single nucleotide variant.
Coding change: c.323A>G on transcript NM_006030.4 (MANE Select); coding-DNA position 323, A replaced by G.
Protein change: p.Gln108Arg; replaces glutamine 108 with arginine.
Molecular consequence: missense variant.
Genome position (GRCh38, 1-based): chr3:50,434,395, T>C on the plus strand (A>G on the coding strand, the complement: CACNA2D2 is on the minus strand). VCF-style: chr3-50434395-T-C. GRCh37 (hg19) VCF-style: chr3-50471826-T-C.
Other names: c.323A>G, p.Gln108Arg (NM_001005505.3, NM_001174051.3); c.116A>G, p.Gln39Arg (NM_001291101.1); short protein forms Q108R, Q39R.
Identifiers: ClinVar variation 1513276 (VCV001513276.6), dbSNP rs752989113, ClinGen allele CA2419250.